The following is an entry in ClinVar:

ClinVar aggregate classification (germline): Uncertain significance (1 of 4 stars; one submission).

Conditions:
Inborn genetic diseases. Identifiers: MedGen C0950123, MeSH D030342.

gnomAD v4.1: 7 of 1,610,436 alleles (0.00043%); highest among the groups gnomAD compares: Non-Finnish European, 0.00059%; no homozygotes.

Submission:

Ambry Genetics
Classification: Uncertain significance for Inborn genetic diseases. Last evaluated: 2025-04-25. Review status: criteria provided, single submitter. Criteria: Ambry Variant Classification Scheme 2023. Collection method: clinical testing. Allele origin: germline.
Comment: The p.V768M variant (also known as c.2302G>A), located in coding exon 25 of the RTEL1 gene, results from a G to A substitution at nucleotide position 2302. The valine at codon 768 is replaced by methionine, an amino acid with highly similar properties. This amino acid position is conserved. In addition, this alteration is predicted to be tolerated by in silico analysis. Based on the available evidence, the clinical significance of this variant remains unclear.

NM_001283009.2(RTEL1):c.2302G>A (p.Val768Met)

Genes: RTEL1 (regulator of telomere elongation helicase 1; plus strand), RTEL1-TNFRSF6B (RTEL1-TNFRSF6B readthrough (NMD candidate); plus strand). Cytogenetic location: 20q13.33.
Variant type: single nucleotide variant.
Coding change: c.2302G>A on transcript NM_001283009.2 (MANE Select); coding-DNA position 2302, G replaced by A.
Protein change: p.Val768Met; replaces valine 768 with methionine.
Molecular consequence: missense variant. On other transcripts: non-coding transcript variant (1).
Genome position (GRCh38, 1-based): chr20:63,690,330, G>A. VCF-style: chr20-63690330-G-A. GRCh37 (hg19) VCF-style: chr20-62321683-G-A.
Other names: c.1633G>A, p.Val545Met (NM_001283010.1); c.2302G>A, p.Val768Met (NM_016434.4); c.2374G>A, p.Val792Met (NM_032957.5); short protein forms V545M, V768M, V792M.
Identifiers: ClinVar variation 3948355 (VCV003948355.1).
Genomic context (GRCh38, chr20:63,690,330, plus strand): 5'-CCACCCACCCCCATGGTTCTGCAGATGCCAGCGCCGGCCCCCCGGGCTACAGCACCCAGT[G>A]TGCGTGGAGAAGATGCTGTCAGCGAGGCCAAGTCGCCTGGCCCCTTCTTCTCCACCAGGA-3'
Protein context (NP_001269938.1, residues 758-778): APAPRATAPS[Val768Met]RGEDAVSEAK